The following is an entry in ClinVar:

ClinVar aggregate classification (germline): Pathogenic (1 of 4 stars; one submission).

Submission:

Labcorp Genetics (formerly Invitae), Labcorp
Classification: Pathogenic. Last evaluated: 2023-07-07. Review status: criteria provided, single submitter. Criteria: Invitae Variant Classification Sherloc (09022015). Collection method: clinical testing. Allele origin: unknown.
Comment: A gross deletion of the genomic region encompassing the full coding sequence of the FMO3 gene has been identified. Loss-of-function variants in FMO3 are known to be pathogenic (PMID: 20301282). The boundaries of this event are unknown as they extend beyond the assayed region for this gene and therefore may encompass additional genes. This variant has not been reported in the literature in individuals affected with FMO3-related conditions. For these reasons, this variant has been classified as Pathogenic.

Literature cited by the submitters: PubMed 20301282.

NC_000001.10:g.(?_171061800)_(171086582_?)del

Gene: FMO3 (flavin containing dimethylaniline monoxygenase 3; plus strand). Cytogenetic location: 1q24.3.
Variant type: Deletion.
Identifiers: ClinVar variation 3247975 (VCV003247975.1).